The following is an entry in ClinVar:

ClinVar aggregate classification (germline): Uncertain significance (1 of 4 stars; one submission).

Conditions:
Immunodeficiency. Identifiers: MedGen C0021051, MONDO:0021094, HP:0002721.

gnomAD v4.1: 1 of 1,614,116 alleles (0.000062%); highest among the groups gnomAD compares: East Asian, 0.0022%; no homozygotes.

Submission:

Labcorp Genetics (formerly Invitae), Labcorp
Classification: Uncertain significance for Immunodeficiency. Last evaluated: 2024-11-14. Review status: criteria provided, single submitter. Criteria: Invitae Variant Classification Sherloc (09022015). Collection method: clinical testing. Allele origin: germline.
Comment: This sequence change replaces leucine, which is neutral and non-polar, with phenylalanine, which is neutral and non-polar, at codon 655 of the NFAT5 protein (p.Leu655Phe). This variant is not present in population databases (gnomAD no frequency). This variant has not been reported in the literature in individuals affected with NFAT5-related conditions. An algorithm developed to predict the effect of missense changes on protein structure and function (PolyPhen-2) suggests that this variant is likely to be disruptive. In summary, the available evidence is currently insufficient to determine the role of this variant in disease. Therefore, it has been classified as a Variant of Uncertain Significance.

NM_138713.4(NFAT5):c.2247G>T (p.Leu749Phe)

Gene: NFAT5 (nuclear factor of activated T cells 5; plus strand). Cytogenetic location: 16q22.1.
Variant type: single nucleotide variant.
Coding change: c.2247G>T on transcript NM_138713.4 (MANE Select); coding-DNA position 2247, G replaced by T.
Protein change: p.Leu749Phe; replaces leucine 749 with phenylalanine.
Molecular consequence: missense variant.
Genome position (GRCh38, 1-based): chr16:69,692,072, G>T. VCF-style: chr16-69692072-G-T. GRCh37 (hg19) VCF-style: chr16-69725975-G-T.
Other names: c.2244G>T, p.Leu748Phe (NM_001113178.3); c.1572G>T, p.Leu524Phe (NM_001367709.1); c.2193G>T, p.Leu731Phe (NM_006599.4); c.1965G>T, p.Leu655Phe (NM_138714.4, NM_173214.3, NM_173215.3); short protein forms L524F, L749F, L731F, L655F, L748F.
Identifiers: ClinVar variation 3725237 (VCV003725237.2).
Genomic context (GRCh38, chr16:69,692,072, plus strand): 5'-TCAGACAAGAGAAACTCAGTCTAGAGAGATATTACAGTCAGATGGTACAGTGGTTAATTT[G>T]TCACAACTGACTGAGGCATCACAACAACAGCAGCAGTCACCACTACAAGAACAAGCACAG-3'
Protein context (NP_619727.2, residues 739-759): ILQSDGTVVN[Leu749Phe]SQLTEASQQQ